The following is an entry in ClinVar:

ClinVar aggregate classification (germline): Uncertain significance (1 of 4 stars; one submission).

Allele frequency attached by ClinVar (database versions not stated): ExAC 0.00001; TOPMed 0.00001; gnomAD 0.00002; gnomAD exomes 0.00003.
gnomAD v4.1: 41 of 1,614,002 alleles (0.0025%); highest among the groups gnomAD compares: Middle Eastern, 0.049%; no homozygotes.

Submission:

Labcorp Genetics (formerly Invitae), Labcorp
Classification: Uncertain significance. Last evaluated: 2022-10-26. Review status: criteria provided, single submitter. Criteria: Invitae Variant Classification Sherloc (09022015). Collection method: clinical testing. Allele origin: germline.
Comment: In summary, the available evidence is currently insufficient to determine the role of this variant in disease. Therefore, it has been classified as a Variant of Uncertain Significance. Advanced modeling of protein sequence and biophysical properties (such as structural, functional, and spatial information, amino acid conservation, physicochemical variation, residue mobility, and thermodynamic stability) performed at Invitae indicates that this missense variant is not expected to disrupt YARS2 protein function. This variant has not been reported in the literature in individuals affected with YARS2-related conditions. This variant is present in population databases (rs751858491, gnomAD 0.02%). This sequence change replaces arginine, which is basic and polar, with glutamine, which is neutral and polar, at codon 348 of the YARS2 protein (p.Arg348Gln).

NM_001040436.3(YARS2):c.1043G>A (p.Arg348Gln)

Gene: YARS2 (tyrosyl-tRNA synthetase 2; minus strand). Cytogenetic location: 12p11.21.
Variant type: single nucleotide variant.
Coding change: c.1043G>A on transcript NM_001040436.3 (MANE Select); coding-DNA position 1043, G replaced by A.
Protein change: p.Arg348Gln; replaces arginine 348 with glutamine.
Molecular consequence: missense variant.
Genome position (GRCh38, 1-based): chr12:32,750,779, C>T on the plus strand (G>A on the coding strand, the complement: YARS2 is on the minus strand). VCF-style: chr12-32750779-C-T. GRCh37 (hg19) VCF-style: chr12-32903713-C-T.
Other names: short protein forms R348Q.
Identifiers: ClinVar variation 1896262 (VCV001896262.5), dbSNP rs751858491, ClinGen allele CA6508009.